The following is an entry in ClinVar:

NM_020911.2(PLXNA4):c.3566C>T (p.Pro1189Leu)

Gene: PLXNA4 (plexin A4; minus strand). Cytogenetic location: 7q32.3.
Variant type: single nucleotide variant.
Coding change: c.3566C>T on transcript NM_020911.2 (MANE Select); coding-DNA position 3566, C replaced by T.
Protein change: p.Pro1189Leu; replaces proline 1189 with leucine.
Molecular consequence: missense variant.
Genome position (GRCh38, 1-based): chr7:132,180,659, G>A on the plus strand (C>T on the coding strand, the complement: PLXNA4 is on the minus strand). VCF-style: chr7-132180659-G-A. GRCh37 (hg19) VCF-style: chr7-131865418-G-A.
Other names: c.3566C>T, p.Pro1189Leu (NM_001393897.1); short protein forms P1189L.
Identifiers: ClinVar variation 4990625 (VCV004990625.1).

ClinVar aggregate classification (germline): Uncertain significance (1 of 4 stars; one submission).

Conditions:
PLXNA4-related disorder. Also called: PLXNA4-related condition.

gnomAD v4.1: 5 of 1,614,016 alleles (0.00031%); highest among the groups gnomAD compares: African/African-American, 0.0053%; no homozygotes.

Submission:

PreventionGenetics, part of Exact Sciences
Classification: Uncertain significance for PLXNA4-related condition. Last evaluated: 2025-11-25. Review status: criteria provided, single submitter. Criteria: ACMG Guidelines, 2015. Collection method: clinical testing. Allele origin: germline.
Comment: The PLXNA4 c.3566C>T variant is predicted to result in the amino acid substitution p.Pro1189Leu. To our knowledge, this variant has not been reported in the literature. This variant is reported in 0.0065% of alleles in individuals of African descent in gnomAD. At this time, the clinical significance of this variant is uncertain due to the absence of conclusive functional and genetic evidence.